The following is an entry in ClinVar:

NM_002734.5(PRKAR1A):c.899C>G (p.Ala300Gly)

Gene: PRKAR1A (protein kinase cAMP-dependent type I regulatory subunit alpha; plus strand). Cytogenetic location: 17q24.2.
Variant type: single nucleotide variant.
Coding change: c.899C>G on transcript NM_002734.5 (MANE Select); coding-DNA position 899, C replaced by G.
Protein change: p.Ala300Gly; replaces alanine 300 with glycine.
Molecular consequence: missense variant.
Genome position (GRCh38, 1-based): chr17:68,529,927, C>G. VCF-style: chr17-68529927-C-G. GRCh37 (hg19) VCF-style: chr17-66526068-C-G.
Other names: c.899C>G, p.Ala300Gly (NM_001276289.2, NM_001276290.1, NM_001278433.2 and 4 more transcripts); short protein forms A300G.
Identifiers: ClinVar variation 2819630 (VCV002819630.3), dbSNP rs765989838, ClinGen allele CA8729411.
Genomic context (GRCh38, chr17:68,529,927, plus strand): 5'-ACCCTGGGTTTGAGAGTGTGTGTTTGTTTAGCTTTTTGGTGATTTTATTATAGGGGTCAG[C>G]TGCTGTGCTACAACGTCGGTCAGAAAATGAAGAGTTTGTTGAAGTGGGAAGATTGGGGCC-3'
Protein context (NP_002725.1, residues 290-310): DEFFIILEGS[Ala300Gly]AVLQRRSENE

ClinVar aggregate classification (germline): Uncertain significance (1 of 4 stars; one submission).

Conditions:
Carney complex, type 1 (CNC1). Also called: CARNEY COMPLEX, TYPE I; CARNEY MYXOMA-ENDOCRINE COMPLEX. Identifiers: Orphanet 1359, MedGen C2607929, MONDO:0008057, OMIM 160980.

Allele frequency attached by ClinVar (database versions not stated): gnomAD exomes below 0.00001; ExAC 0.00001.
gnomAD v4.1: 5 of 1,614,048 alleles (0.00031%); highest among the groups gnomAD compares: South Asian, 0.0044%; no homozygotes.

Submission:

Labcorp Genetics (formerly Invitae), Labcorp
Classification: Uncertain significance for Carney complex, type 1. Last evaluated: 2022-12-16. Review status: criteria provided, single submitter. Criteria: Invitae Variant Classification Sherloc (09022015). Collection method: clinical testing. Allele origin: germline.
Comment: Advanced modeling of protein sequence and biophysical properties (such as structural, functional, and spatial information, amino acid conservation, physicochemical variation, residue mobility, and thermodynamic stability) performed at Invitae indicates that this missense variant is expected to disrupt PRKAR1A protein function. This variant has not been reported in the literature in individuals affected with PRKAR1A-related conditions. This variant is present in population databases (rs765989838, gnomAD 0.003%). This sequence change replaces alanine, which is neutral and non-polar, with glycine, which is neutral and non-polar, at codon 300 of the PRKAR1A protein (p.Ala300Gly). In summary, the available evidence is currently insufficient to determine the role of this variant in disease. Therefore, it has been classified as a Variant of Uncertain Significance.